The following is an entry in ClinVar:

ClinVar aggregate classification (germline): Uncertain significance (1 of 4 stars; one submission).

Conditions:
Intellectual disability, autosomal dominant 9 (NESCAVS). Also called: KIF1A-Related Neurodevelopmental Disorder; NESCAV SYNDROME. Identifiers: Orphanet 662367, MedGen C5393830, MONDO:0013656, OMIM 614255.

Submission:

Institute of Human Genetics, University of Leipzig Medical Center
Classification: Uncertain significance for Intellectual disability, autosomal dominant 9. Last evaluated: 2022-02-17. Review status: criteria provided, single submitter. Criteria: ACMG Guidelines, 2015. Collection method: clinical testing. Allele origin: unknown. Affected: yes.
Comment: _x000D_ Criteria applied: PM1, PM2_SUP

NM_001244008.2(KIF1A):c.706A>G (p.Ile236Val)

Gene: KIF1A (kinesin family member 1A; minus strand). Cytogenetic location: 2q37.3.
Variant type: single nucleotide variant.
Coding change: c.706A>G on transcript NM_001244008.2 (MANE Select); coding-DNA position 706, A replaced by G.
Protein change: p.Ile236Val; replaces isoleucine 236 with valine.
Molecular consequence: missense variant.
Genome position (GRCh38, 1-based): chr2:240,785,003, T>C on the plus strand (A>G on the coding strand, the complement: KIF1A is on the minus strand). VCF-style: chr2-240785003-T-C. GRCh37 (hg19) VCF-style: chr2-241724420-T-C.
Other names: c.706A>G, p.Ile236Val (NM_001320705.2, NM_001330289.2, NM_001330290.2 and 20 more transcripts); short protein forms I236V.
Identifiers: ClinVar variation 1342900 (VCV001342900.1), dbSNP rs2126062292, ClinGen allele CA351304511.